The following is an entry in ClinVar:

ClinVar aggregate classification (germline): Uncertain significance (0 of 4 stars; one submission).

Conditions:
Marfan syndrome (MFS). Also called: MARFAN SYNDROME, TYPE I; Marfan syndrome type 1; Marfan's syndrome; FBN1-Related Marfan Syndrome; Marfan syndrome, classic. Identifiers: Orphanet 284963, Orphanet 558, MedGen C0024796, MONDO:0007947, OMIM 154700.

Submission:

Department of Laboratory Medicine and Genetics, Samsung Medical Center
Classification: Uncertain significance for Marfan syndrome. Last evaluated: 2025-01-02. Review status: no assertion criteria provided. Collection method: clinical testing. Allele origin: germline.
Comment: The NM_000138.5:c.7645A>C is considered to be rare in the general population database (gnomAD v2.1.1). In summary, the available evidence is currently insufficient to evaluate the pathogenicity of this variant, resulting its classification as a variant of uncertain significance (PP2, PM2_P).

NM_000138.5(FBN1):c.7645A>C (p.Thr2549Pro)

Gene: FBN1 (fibrillin 1; minus strand). Cytogenetic location: 15q21.1.
Variant type: single nucleotide variant.
Coding change: c.7645A>C on transcript NM_000138.5 (MANE Select); coding-DNA position 7645, A replaced by C.
Protein change: p.Thr2549Pro; replaces threonine 2549 with proline.
Molecular consequence: missense variant.
Genome position (GRCh38, 1-based): chr15:48,421,612, T>G on the plus strand (A>C on the coding strand, the complement: FBN1 is on the minus strand). VCF-style: chr15-48421612-T-G. GRCh37 (hg19) VCF-style: chr15-48713809-T-G.
Other names: c.7645A>C, p.Thr2549Pro (NM_001406716.1); short protein forms T2549P.
Identifiers: ClinVar variation 3600258 (VCV003600258.1).
Genomic context (GRCh38, chr15:48,421,612, plus strand): 5'-ACCCACCTTCACAGCTGGAGCCGGTCTGATCAAGTGAGAATCCCCGCTGGCATTCACAGG[T>G]GAAGCTTCCAGGAGTGTTCTGGCAAATGCCCTTAGACCCGCACAGATTGATGTCAGAGGT-3'
Protein context (NP_000129.3, residues 2539-2559): GICQNTPGSF[Thr2549Pro]CECQRGFSLD